The following is an entry in ClinVar:

NM_019098.5(CNGB3):c.1064G>A (p.Arg355Gln)

Gene: CNGB3 (cyclic nucleotide gated channel subunit beta 3; minus strand). Cytogenetic location: 8q21.3.
Variant type: single nucleotide variant.
Coding change: c.1064G>A on transcript NM_019098.5 (MANE Select); coding-DNA position 1064, G replaced by A.
Protein change: p.Arg355Gln; replaces arginine 355 with glutamine.
Molecular consequence: missense variant.
Genome position (GRCh38, 1-based): chr8:86,643,865, C>T on the plus strand (G>A on the coding strand, the complement: CNGB3 is on the minus strand). VCF-style: chr8-86643865-C-T. GRCh37 (hg19) VCF-style: chr8-87656093-C-T.
Other names: short protein forms R355Q.
Identifiers: ClinVar variation 1407909 (VCV001407909.5), dbSNP rs555345043, ClinGen allele CA4800161.

ClinVar aggregate classification (germline): Uncertain significance. Review status: criteria provided, multiple submitters, no conflicts (2 of 4 stars). 2 submissions from 2 submitters: Uncertain significance (2). Last evaluated 2022-11-07.

Allele frequency attached by ClinVar (database versions not stated): gnomAD 0.00001 and 0.00002; gnomAD exomes 0.00001 and 0.00002; ExAC 0.00002; 1000 Genomes Project 30x 0.00016; 1000 Genomes Project 0.00020.
gnomAD v4.1: 22 of 1,605,046 alleles (0.0014%); highest among the groups gnomAD compares: South Asian, 0.0033%; no homozygotes.

Submissions (2):

Blueprint Genetics
Classification: Uncertain significance. Last evaluated: 2022-11-07. Review status: criteria provided, single submitter. Criteria: ACMG Guidelines, 2015. Collection method: clinical testing. Allele origin: germline.

Labcorp Genetics (formerly Invitae), Labcorp
Classification: Uncertain significance. Last evaluated: 2022-08-10. Review status: criteria provided, single submitter. Criteria: Invitae Variant Classification Sherloc (09022015). Collection method: clinical testing. Allele origin: germline.
Comment: This sequence change replaces arginine, which is basic and polar, with glutamine, which is neutral and polar, at codon 355 of the CNGB3 protein (p.Arg355Gln). This variant is present in population databases (rs555345043, gnomAD 0.01%). This variant has not been reported in the literature in individuals affected with CNGB3-related conditions. ClinVar contains an entry for this variant (Variation ID: 1407909). Algorithms developed to predict the effect of missense changes on protein structure and function are either unavailable or do not agree on the potential impact of this missense change (SIFT: "Deleterious"; PolyPhen-2: "Possibly Damaging"; Align-GVGD: "Class C0"). In summary, the available evidence is currently insufficient to determine the role of this variant in disease. Therefore, it has been classified as a Variant of Uncertain Significance.